The following is an entry in ClinVar:

NM_018089.3(ANKZF1):c.1927C>G (p.Arg643Gly)

Gene: ANKZF1 (ankyrin repeat and zinc finger peptidyl tRNA hydrolase 1; plus strand). Cytogenetic location: 2q35.
Variant type: single nucleotide variant.
Coding change: c.1927C>G on transcript NM_018089.3 (MANE Select); coding-DNA position 1927, C replaced by G.
Protein change: p.Arg643Gly; replaces arginine 643 with glycine.
Molecular consequence: missense variant.
Genome position (GRCh38, 1-based): chr2:219,235,831, C>G. VCF-style: chr2-219235831-C-G. GRCh37 (hg19) VCF-style: chr2-220100553-C-G.
Other names: c.1927C>G, p.Arg643Gly (NM_001042410.2); c.1297C>G, p.Arg433Gly (NM_001282792.2); short protein forms R433G, R643G.
Identifiers: ClinVar variation 2417497 (VCV002417497.5), dbSNP rs150402081, ClinGen allele CA2121230.

ClinVar aggregate classification (germline): Uncertain significance (1 of 4 stars; one submission).

gnomAD v4.1: 5 of 1,614,158 alleles (0.00031%); highest among the groups gnomAD compares: African/African-American, 0.0067%; no homozygotes.

Submission:

Labcorp Genetics (formerly Invitae), Labcorp
Classification: Uncertain significance. Last evaluated: 2022-10-06. Review status: criteria provided, single submitter. Criteria: Invitae Variant Classification Sherloc (09022015). Collection method: clinical testing. Allele origin: germline.
Comment: In summary, the available evidence is currently insufficient to determine the role of this variant in disease. Therefore, it has been classified as a Variant of Uncertain Significance. Algorithms developed to predict the effect of missense changes on protein structure and function (SIFT, PolyPhen-2, Align-GVGD) all suggest that this variant is likely to be tolerated. This variant has not been reported in the literature in individuals affected with ANKZF1-related conditions. This variant is present in population databases (rs150402081, gnomAD 0.03%). This sequence change replaces arginine, which is basic and polar, with glycine, which is neutral and non-polar, at codon 643 of the ANKZF1 protein (p.Arg643Gly).